The following is an entry in ClinVar:

NM_006421.5(ARFGEF1):c.634del (p.Gln212fs)

Gene: ARFGEF1 (ARF guanine nucleotide exchange factor 1; minus strand). Cytogenetic location: 8q13.2.
Variant type: Deletion.
Coding change: c.634del on transcript NM_006421.5 (MANE Select); coding-DNA position 634, one base deleted (C; older notation c.634delC).
Protein change: p.Gln212fs; shifts the reading frame from glutamine 212.
Molecular consequence: frameshift variant. On other transcripts: 5 prime UTR variant (1), non-coding transcript variant (1).
Genome position (GRCh38, 1-based): chr8:67,296,436, G deleted on the plus strand (C on the coding strand, the reverse complement: ARFGEF1 is on the minus strand); the first of 2 consecutive G bases (chr8:67,296,436-67,296,437); deleting either gives the same sequence. VCF-style (leftmost placement, unchanged base first): chr8-67296435-TG-T. GRCh37 (hg19) VCF-style: chr8-68208670-TG-T.
Other names: c.634del, p.Gln212fs (NM_001413184.1, NM_001413195.1, NM_001413185.1 and 7 more transcripts); c.-482del (NM_001413196.1); c.34del, p.Gln12fs (NM_001413197.1, NM_001413188.1, NM_001413193.1); short protein forms Q12fs, Q212fs.
Identifiers: ClinVar variation 4583625 (VCV004583625.1).

ClinVar aggregate classification (germline): Pathogenic (1 of 4 stars; one submission).

Conditions:
Inborn genetic diseases. Identifiers: MedGen C0950123, MeSH D030342.

Submission:

Ambry Genetics
Classification: Pathogenic for Inborn genetic diseases. Last evaluated: 2025-10-09. Review status: criteria provided, single submitter. Criteria: Ambry Variant Classification Scheme 2023. Collection method: clinical testing. Allele origin: germline.
Comment: The c.634delC (p.Q212Kfs*25) alteration, located in exon 5 (coding exon 5) of the ARFGEF1 gene, consists of a deletion of one nucleotide at position 634, causing a translational frameshift with a predicted alternate stop codon after 25 amino acids. This alteration is expected to result in loss of function by premature protein truncation or nonsense-mediated mRNA decay. This variant was not reported in population-based cohorts in the Genome Aggregation Database (gnomAD). Based on the available evidence, this alteration is classified as pathogenic.